The following is an entry in ClinVar:

NM_018008.4(FEZF2):c.1030C>T (p.Arg344Cys)

Gene: FEZF2 (FEZ family zinc finger 2; minus strand). Cytogenetic location: 3p14.2.
Variant type: single nucleotide variant.
Coding change: c.1030C>T on transcript NM_018008.4 (MANE Select); coding-DNA position 1030, C replaced by T.
Protein change: p.Arg344Cys; replaces arginine 344 with cysteine.
Molecular consequence: missense variant.
Genome position (GRCh38, 1-based): chr3:62,371,307, G>A on the plus strand (C>T on the coding strand, the complement: FEZF2 is on the minus strand). VCF-style: chr3-62371307-G-A. GRCh37 (hg19) VCF-style: chr3-62356982-G-A.
Other names: short protein forms R344C.
Identifiers: ClinVar variation 3340168 (VCV003340168.1).

ClinVar aggregate classification (germline): Uncertain significance (1 of 4 stars; one submission).

Submission:

GeneDx
Classification: Uncertain significance. Last evaluated: 2023-10-25. Review status: criteria provided, single submitter. Criteria: GeneDx Variant Classification Process June 2021. Collection method: clinical testing. Allele origin: germline. Affected: yes.
Comment: De novo variant with confirmed parentage in a candidate gene with a potential relationship to the phenotype (PMID: 22495306); Not observed at significant frequency in large population cohorts (gnomAD); In silico analysis supports that this missense variant has a deleterious effect on protein structure/function; Variants in candidate genes are classified as variants of uncertain significance in accordance with ACMG guidelines (PMID: 25741868); This variant is associated with the following publications: (PMID: 31452935, 31785789, 24859339, 22495306, 25363768, 34011629, 28714951)